The following is an entry in ClinVar:

NM_001371623.1(TCOF1):c.3182A>G (p.Gln1061Arg)

Gene: TCOF1 (treacle ribosome biogenesis factor 1; plus strand). Cytogenetic location: 5q32.
Variant type: single nucleotide variant.
Coding change: c.3182A>G on transcript NM_001371623.1 (MANE Select); coding-DNA position 3182, A replaced by G.
Protein change: p.Gln1061Arg; replaces glutamine 1061 with arginine.
Molecular consequence: missense variant.
Genome position (GRCh38, 1-based): chr5:150,390,022, A>G. VCF-style: chr5-150390022-A-G. GRCh37 (hg19) VCF-style: chr5-149769585-A-G.
Other names: c.2951A>G, p.Gln984Arg (NM_000356.4, NM_001135245.2); c.3182A>G, p.Gln1061Arg (NM_001135243.2, NM_001135244.2, NM_001195141.2); short protein forms Q1061R, Q984R.
Identifiers: ClinVar variation 2663348 (VCV002663348.1), dbSNP rs2534215377, ClinGen allele CA361733613.

ClinVar aggregate classification (germline): Uncertain significance (1 of 4 stars; one submission).

Submission:

GeneDx
Classification: Uncertain significance. Last evaluated: 2023-04-05. Review status: criteria provided, single submitter. Criteria: GeneDx Variant Classification Process June 2021. Collection method: clinical testing. Allele origin: germline. Affected: yes.
Comment: Not observed at significant frequency in large population cohorts (gnomAD); In silico analysis supports that this missense variant has a deleterious effect on protein structure/function; Has not been previously published as pathogenic or benign to our knowledge; In silico analysis suggests this variant may impact gene splicing. In the absence of RNA/functional studies, the actual effect of this sequence change is unknown.